The following is an entry in ClinVar:

ClinVar aggregate classification (germline): Pathogenic (1 of 4 stars; one submission).

Conditions:
Short-rib thoracic dysplasia 11 with or without polydactyly (SRTD11). Also called: SHORT-RIB THORACIC DYSPLASIA 11 WITHOUT POLYDACTYLY. Identifiers: Orphanet 474, Orphanet 93271, MedGen C3810200, MONDO:0014287, OMIM 615633.

Submission:

Labcorp Genetics (formerly Invitae), Labcorp
Classification: Pathogenic for Short-rib thoracic dysplasia 11 with or without polydactyly. Last evaluated: 2022-11-05. Review status: criteria provided, single submitter. Criteria: Invitae Variant Classification Sherloc (09022015). Collection method: clinical testing. Allele origin: germline.
Comment: For these reasons, this variant has been classified as Pathogenic. This variant disrupts a region of the WDR34 protein in which other variant(s) (p.Thr514Argfs*11) have been determined to be pathogenic (PMID: 24183451). This suggests that this is a clinically significant region of the protein, and that variants that disrupt it are likely to be disease-causing. This variant has not been reported in the literature in individuals affected with WDR34-related conditions. This variant is not present in population databases (gnomAD no frequency). This sequence change creates a premature translational stop signal (p.Glu489Serfs*38) in the WDR34 gene. While this is not anticipated to result in nonsense mediated decay, it is expected to disrupt the last 48 amino acid(s) of the WDR34 protein.

Literature cited by the submitters: PubMed 24183451.

NM_052844.4(DYNC2I2):c.1461_1464dup (p.Glu489fs)

Gene: DYNC2I2 (dynein 2 intermediate chain 2; minus strand). Cytogenetic location: 9q34.11.
Variant type: Duplication.
Coding change: c.1461_1464dup on transcript NM_052844.4 (MANE Select); coding-DNA positions 1461 to 1464, 4 bases duplicated (TCTG; older notation c.1461_1464dupTCTG).
Protein change: p.Glu489fs; shifts the reading frame from glutamic acid 489.
Molecular consequence: frameshift variant.
Genome position (GRCh38, 1-based): chr9:128,633,891-128,633,894, CAGA duplicated on the plus strand (TCTG on the coding strand, the reverse complement: DYNC2I2 is on the minus strand); duplicating any 4 consecutive bases within chr9:128,633,891-128,633,897 gives the same sequence; the c. name uses the placement nearest the transcript's 3' end. VCF-style (leftmost placement, unchanged base first): chr9-128633890-C-CCAGA. GRCh37 (hg19) VCF-style: chr9-131396169-C-CCAGA.
Other names: short protein forms E489fs.
Identifiers: ClinVar variation 2703951 (VCV002703951.3), dbSNP rs2542422836, ClinGen allele CA2579470608.